The following is an entry in ClinVar:

ClinVar aggregate classification (germline): Uncertain significance (1 of 4 stars; one submission).

Submission:

Labcorp Genetics (formerly Invitae), Labcorp
Classification: Uncertain significance. Last evaluated: 2025-07-30. Review status: criteria provided, single submitter. Criteria: Invitae Variant Classification Sherloc (09022015). Collection method: clinical testing. Allele origin: germline.
Comment: This sequence change falls in intron 19 of the CYFIP2 gene. It does not directly change the encoded amino acid sequence of the CYFIP2 protein. It affects a nucleotide within the consensus splice site. This variant is not present in population databases (gnomAD no frequency). This variant has not been reported in the literature in individuals affected with CYFIP2-related conditions. Variants that disrupt the consensus splice site are a relatively common cause of aberrant splicing (PMID: 17576681, 9536098). Algorithms developed to predict the effect of sequence changes on RNA splicing suggest that this variant may disrupt the consensus splice site. In summary, the available evidence is currently insufficient to determine the role of this variant in disease. Therefore, it has been classified as a Variant of Uncertain Significance.

Literature cited by the submitters: PubMed 17576681; PubMed 9536098.

NM_001037333.3(CYFIP2):c.2156+3A>G

Gene: CYFIP2 (cytoplasmic FMR1 interacting protein 2; plus strand). Cytogenetic location: 5q33.3.
Variant type: single nucleotide variant.
Coding change: c.2156+3A>G on transcript NM_001037333.3 (MANE Select); 3 bases into the intron after coding-DNA position 2156, A replaced by G.
Molecular consequence: intron variant.
Genome position (GRCh38, 1-based): chr5:157,328,052, A>G. VCF-style: chr5-157328052-A-G. GRCh37 (hg19) VCF-style: chr5-156755060-A-G.
Other names: c.2231+3A>G (NM_001291722.2); c.2078+3A>G (NM_001291721.2); c.2156+3A>G (NM_014376.4).
Identifiers: ClinVar variation 4724409 (VCV004724409.1).